The following continues an entry in ClinVar:

NM_007194.4(CHEK2):c.254C>T (p.Pro85Leu)

Gene: CHEK2. ClinVar aggregate classification (germline): Benign/Likely benign. Benign (9); Likely benign (10).

Submissions 24 to 28 of 28:

Clinical Genetics Laboratory, Department of Pathology, Netherlands Cancer Institute
Classification: Likely benign. Review status: no assertion criteria provided. Collection method: clinical testing. Allele origin: germline. Affected: yes. Study: VKGL Data-share Consensus. Not counted in ClinVar's aggregate classification.

Department of Pathology and Laboratory Medicine, Sinai Health System
Classification: Benign for Malignant tumor of breast. Review status: no assertion criteria provided. Collection method: clinical testing. Allele origin: unknown. Affected: yes. Observed: 2 variant alleles. Study: The Canadian Open Genetics Repository (COGR). Not counted in ClinVar's aggregate classification.
Comment: The CHEK2 p.Pro85Leu variant was identified in 31 of 5508 proband chromosomes (frequency: 0.01) from individuals or families with breast cancer and was present in 31 of 6844 control chromosomes (frequency: 0.005) from healthy individuals (Bell 2007, Shaag 2005, Le Calvez-Kelm 2011, Bodian 2014). The variant was also identified in dbSNP (ID: rs17883862 as With Pathogenic, Uncertain significance allele), ClinVar (classified as benign by GeneDx, Ambry Genetics, Invitae, Quest Diagnostics Nichols Institute San Juan Capistrano, and Color Genomics and as likely benign by Counsyl and four other clinical laboratories) and the Zhejiang University Database (as neutral allele). The variant was not identified in Cosmic or MutDB. The variant was identified in control databases in 285 of 277140 chromosomes (1 homozygous) at a frequency of 0.001, increasing the likelihood this could be a low frequency benign variant (Genome Aggregation Database Feb 27, 2017). This variant was observed in the following populations: African in 192 of 24018 chromosomes (freq: 0.008), Ashkenazi Jewish in 39 of 10152 chromosomes (freq: 0.004), Latino in 33 of 34416 chromosomes (freq: 0.001), Other in 1 of 6460 chromosomes (freq: 0.0002), European in 18 of 126662 chromosomes (freq: 0.0001), and South Asian in 2 of 30780 chromosomes (freq: 0.0001), but not in the East Asian or Finnish populations. The p.Pro85 residue is conserved in mammals and computational analyses (PolyPhen-2, SIFT, AlignGVGD, BLOSUM, MutationTaster) provide inconsistent predictions regarding the impact to the protein. The variant occurs outside of the splicing consensus sequence and 1 of 5 in silico or computational prediction software programs (SpliceSiteFinder, MaxEntScan, NNSPLICE, GeneSplicer, HumanSpliceFinder) predicts a greater than 10% difference in splicing. Several in vitro studies show DNA damage response by this variant is consistent with that of the wild-type protein (Nevanlinna 2006, Shaag 2005, Roeb 2012). In summary, based on the above information, this variant meets our laboratory's criteria to be classified as benign.

Genome Diagnostics Laboratory, Amsterdam University Medical Center
Classification: Benign. Review status: no assertion criteria provided. Collection method: clinical testing. Allele origin: germline. Affected: yes. Study: VKGL Data-share Consensus. Not counted in ClinVar's aggregate classification.

Genome Diagnostics Laboratory, University Medical Center Utrecht
Classification: Benign. Review status: no assertion criteria provided. Collection method: clinical testing. Allele origin: germline. Affected: yes. Study: VKGL Data-share Consensus. Not counted in ClinVar's aggregate classification.

Joint Genome Diagnostic Labs from Nijmegen and Maastricht, Radboudumc and MUMC+
Classification: Likely benign. Review status: no assertion criteria provided. Collection method: clinical testing. Allele origin: germline. Affected: yes. Study: VKGL Data-share Consensus. Not counted in ClinVar's aggregate classification.

Literature cited by the submitters: PubMed 17721994 (cited by 3 submitters); PubMed 24728327 (cited by Quest Diagnostics Nichols Institute San Juan Capistrano and ITMI); PubMed 22419737 (cited by 3 submitters); PubMed 15649950 (cited by 3 submitters); PubMed 21244692 (cited by 3 submitters); PubMed 11746983 (cited by 3 submitters); PubMed 31871297 (cited by Quest Diagnostics Nichols Institute San Juan Capistrano); PubMed 30851065 (cited by Quest Diagnostics Nichols Institute San Juan Capistrano); PubMed 32906215 (cited by Quest Diagnostics Nichols Institute San Juan Capistrano); PubMed 24628946 (cited by Women's Health and Genetics/Laboratory Corporation of America, LabCorp).